The following is an entry in ClinVar:

ClinVar aggregate classification (germline): Conflicting classifications of pathogenicity. Review status: criteria provided, conflicting classifications (1 of 4 stars). 4 submissions from 4 submitters: Likely pathogenic (1); Uncertain significance (3). Last evaluated 2025-04-08.

Conditions:
Leber congenital amaurosis 1 (LCA1). Also called: Congenital absence of the rods and cones; Leber's congenital tapetoretinal degeneration; Leber's congenital tapetoretinal dysplasia; RETINAL BLINDNESS, CONGENITAL; AMAUROSIS CONGENITA OF LEBER I. Identifiers: Orphanet 65, MedGen C2931258, MONDO:0008764, OMIM 204000.

Allele frequency attached by ClinVar (database versions not stated): gnomAD exomes 0.00001; gnomAD 0.00003; TOPMed 0.00003.
gnomAD v4.1: 15 of 1,614,054 alleles (0.00093%); highest among the groups gnomAD compares: Admixed American, 0.0017%; no homozygotes.

Submissions (4):

Women's Health and Genetics/Laboratory Corporation of America, LabCorp
Classification: Uncertain significance. Last evaluated: 2025-04-08. Review status: criteria provided, single submitter. Criteria: LabCorp Variant Classification Summary - May 2015. Collection method: clinical testing. Allele origin: germline.
Comment: Variant summary: TULP1 c.1082G>A (p.Arg361Gln) results in a conservative amino acid change in the encoded protein sequence. Four of five in-silico tools predict a damaging effect of the variant on protein function. The variant allele was found at a frequency of 8e-06 in 251432 control chromosomes. The available data on variant occurrences in the general population are insufficient to allow any conclusion about variant significance. c.1082G>A has been reported in the literature in at least one individual affected with cone rod dystrophy carrying a second heterozygous variant of unknown phase and in an individual with an unspecified inherited retinal disorder without reported genotype (e.g. Ganapathi_2022, Karali_2022). These report(s) do not provide unequivocal conclusions about association of the variant with Leber Congenital Amaurosis. To our knowledge, no experimental evidence demonstrating an impact on protein function has been reported. The following publications have been ascertained in the context of this evaluation (PMID: 35672425, 36460718). ClinVar contains an entry for this variant (Variation ID: 802209). Based on the evidence outlined above, the variant was classified as uncertain significance.

Blueprint Genetics
Classification: Uncertain significance. Last evaluated: 2024-02-29. Review status: criteria provided, single submitter. Criteria: ACMG Guidelines, 2015. Collection method: clinical testing. Allele origin: germline.

Labcorp Genetics (formerly Invitae), Labcorp
Classification: Uncertain significance. Last evaluated: 2022-06-08. Review status: criteria provided, single submitter. Criteria: Invitae Variant Classification Sherloc (09022015). Collection method: clinical testing. Allele origin: germline.
Comment: This sequence change replaces arginine, which is basic and polar, with glutamine, which is neutral and polar, at codon 361 of the TULP1 protein (p.Arg361Gln). This variant is present in population databases (no rsID available, gnomAD 0.003%). This variant has not been reported in the literature in individuals affected with TULP1-related conditions. ClinVar contains an entry for this variant (Variation ID: 802209). Algorithms developed to predict the effect of missense changes on protein structure and function are either unavailable or do not agree on the potential impact of this missense change (SIFT: "Not Available"; PolyPhen-2: "Probably Damaging"; Align-GVGD: "Not Available"). In summary, the available evidence is currently insufficient to determine the role of this variant in disease. Therefore, it has been classified as a Variant of Uncertain Significance.

Mendelics
Classification: Likely pathogenic for Leber congenital amaurosis 1. Last evaluated: 2019-05-28. Review status: criteria provided, single submitter. Criteria: Mendelics Assertion Criteria 2017. Collection method: clinical testing. Allele origin: unknown.

Literature cited by the submitters: PubMed 35672425 (cited by Women's Health and Genetics/Laboratory Corporation of America, LabCorp); PubMed 36460718 (cited by Women's Health and Genetics/Laboratory Corporation of America, LabCorp).

NM_003322.6(TULP1):c.1082G>A (p.Arg361Gln)

Gene: TULP1 (TUB like protein 1; minus strand). Cytogenetic location: 6p21.31.
Variant type: single nucleotide variant.
Coding change: c.1082G>A on transcript NM_003322.6 (MANE Select); coding-DNA position 1082, G replaced by A.
Protein change: p.Arg361Gln; replaces arginine 361 with glutamine.
Molecular consequence: missense variant.
Genome position (GRCh38, 1-based): chr6:35,505,771, C>T on the plus strand (G>A on the coding strand, the complement: TULP1 is on the minus strand). VCF-style: chr6-35505771-C-T. GRCh37 (hg19) VCF-style: chr6-35473548-C-T.
Other names: c.923G>A, p.Arg308Gln (NM_001289395.2); short protein forms R308Q, R361Q.
Identifiers: ClinVar variation 802209 (VCV000802209.12), dbSNP rs1313593155, ClinGen allele CA363779665.